The following is an entry in ClinVar:

ClinVar aggregate classification (germline): Uncertain significance. Review status: criteria provided, multiple submitters, no conflicts (2 of 4 stars). 2 submissions from 2 submitters: Uncertain significance (2). Last evaluated 2025-08-12.

Conditions:
Candidiasis, familial, 8 (CANDF8). Identifiers: Orphanet 1334, MedGen C3714992, MONDO:0014230, OMIM 615527.

Allele frequency attached by ClinVar (database versions not stated): gnomAD exomes below 0.00001; TOPMed 0.00001.

Submissions (2):

Ambry Genetics
Classification: Uncertain significance. Last evaluated: 2025-08-12. Review status: criteria provided, single submitter. Criteria: Ambry Variant Classification Scheme 2023. Collection method: clinical testing. Allele origin: germline.

Labcorp Genetics (formerly Invitae), Labcorp
Classification: Uncertain significance for Candidiasis, familial, 8. Last evaluated: 2022-09-27. Review status: criteria provided, single submitter. Criteria: Invitae Variant Classification Sherloc (09022015). Collection method: clinical testing. Allele origin: germline.
Comment: Advanced modeling of protein sequence and biophysical properties (such as structural, functional, and spatial information, amino acid conservation, physicochemical variation, residue mobility, and thermodynamic stability) performed at Invitae indicates that this missense variant is not expected to disrupt TRAF3IP2 protein function. ClinVar contains an entry for this variant (Variation ID: 1416410). This variant has not been reported in the literature in individuals affected with TRAF3IP2-related conditions. This variant is present in population databases (no rsID available, gnomAD 0.004%). This sequence change replaces proline, which is neutral and non-polar, with threonine, which is neutral and polar, at codon 292 of the TRAF3IP2 protein (p.Pro292Thr). In summary, the available evidence is currently insufficient to determine the role of this variant in disease. Therefore, it has been classified as a Variant of Uncertain Significance.

NM_147686.4(TRAF3IP2):c.874C>A (p.Pro292Thr)

Genes: TRAF3IP2-AS1 (TRAF3IP2 antisense RNA 1; plus strand), TRAF3IP2 (TRAF3 interacting protein 2; minus strand). Cytogenetic location: 6q21.
Variant type: single nucleotide variant.
Coding change: c.874C>A on transcript NM_147686.4 (MANE Select); coding-DNA position 874, C replaced by A.
Protein change: p.Pro292Thr; replaces proline 292 with threonine.
Molecular consequence: missense variant.
Genome position (GRCh38, 1-based): chr6:111,580,345, G>T on the plus strand (C>A on the coding strand, the complement: TRAF3IP2 is on the minus strand). VCF-style: chr6-111580345-G-T. GRCh37 (hg19) VCF-style: chr6-111901548-G-T.
Other names: c.874C>A (NM_147686.2); c.874C>A, p.Pro292Thr (NM_001164281.3); c.901C>A, p.Pro301Thr (NM_147200.3); short protein forms P292T, P301T.
Identifiers: ClinVar variation 1416410 (VCV001416410.7), dbSNP rs1402886359, ClinGen allele CA365363616.
Genomic context (GRCh38, chr6:111,580,345, plus strand): 5'-TCTGCACAGGGTGCAGGCCTCTCACACTGGCTCCAGGCAGGGGCTGCCCAGGCAGAGCCG[G>T]CTGGATCACTTGCTGGTAGGCTGCTCGAGGGTAGTCATGGCCATCTGTAGGTGAAGACAA-3'
Protein context (NP_679211.2, residues 282-302): PRAAYQQVIQ[Pro292Thr]ALPGQPLPGA